The following is an entry in ClinVar:

ClinVar aggregate classification (germline): Pathogenic (1 of 4 stars; one submission).

Submission:

Labcorp Genetics (formerly Invitae), Labcorp
Classification: Pathogenic. Last evaluated: 2025-02-15. Review status: criteria provided, single submitter. Criteria: Invitae Variant Classification Sherloc (09022015). Collection method: clinical testing. Allele origin: germline.
Comment: This sequence change affects a donor splice site in intron 19 of the COL2A1 gene. It is expected to disrupt RNA splicing. Variants that disrupt the donor or acceptor splice site typically lead to a loss of protein function (PMID: 16199547), and loss-of-function variants in COL2A1 are known to be pathogenic (PMID: 20179744). This variant is not present in population databases (gnomAD no frequency). Disruption of this splice site has been observed in individuals with clinical features of Stickler syndrome (PMID: 20179744, 20513134, 31736238, 36729443; internal data). Algorithms developed to predict the effect of sequence changes on RNA splicing suggest that this variant may disrupt the consensus splice site. For these reasons, this variant has been classified as Pathogenic.

Literature cited by the submitters: PubMed 16199547; PubMed 20179744; PubMed 20513134; PubMed 31736238; PubMed 36729443.

NM_001844.5(COL2A1):c.1221+1G>T

Gene: COL2A1 (collagen type II alpha 1 chain; minus strand). Cytogenetic location: 12q13.11.
Variant type: single nucleotide variant.
Coding change: c.1221+1G>T on transcript NM_001844.5 (MANE Select); the canonical splice donor site of the intron after coding-DNA position 1221, G replaced by T.
Molecular consequence: splice donor variant.
Genome position (GRCh38, 1-based): chr12:47,987,610, C>A on the plus strand (G>T on the coding strand, the complement: COL2A1 is on the minus strand). VCF-style: chr12-47987610-C-A. GRCh37 (hg19) VCF-style: chr12-48381393-C-A.
Other names: c.1014+1G>T (NM_033150.3).
Identifiers: ClinVar variation 4713135 (VCV004713135.1).
Genomic context (GRCh38, chr12:47,987,610, plus strand): 5'-GTCAAGAGTTCCAAAGCCACAGACCCCAGACCCCCCCAGGCCAAAGAGAAGCTGCACTTA[C>A]GGAGGCACCAGCAGGCCCAGGGGACCCAGGAGTACCAGGTTCACCGCGAGGACCTTGAGC-3'